The following is an entry in ClinVar:

NM_000465.4(BARD1):c.1334A>G (p.Glu445Gly)

Gene: BARD1 (BRCA1 associated RING domain 1; minus strand). Cytogenetic location: 2q35.
Variant type: single nucleotide variant.
Coding change: c.1334A>G on transcript NM_000465.4 (MANE Select); coding-DNA position 1334, A replaced by G.
Protein change: p.Glu445Gly; replaces glutamic acid 445 with glycine.
Molecular consequence: missense variant. On other transcripts: non-coding transcript variant (3), intron variant (3).
Genome position (GRCh38, 1-based): chr2:214,769,293, T>C on the plus strand (A>G on the coding strand, the complement: BARD1 is on the minus strand). VCF-style: chr2-214769293-T-C. GRCh37 (hg19) VCF-style: chr2-215634017-T-C.
Other names: c.1277A>G, p.Glu426Gly (NM_001282543.2); c.159-16738A>G (NM_001282548.2); c.216-16738A>G (NM_001282545.2); c.364+23004A>G (NM_001282549.2); short protein forms E426G, E445G.
Identifiers: ClinVar variation 3231766 (VCV003231766.1), dbSNP rs2469454626, ClinGen allele CA350450470.
Genomic context (GRCh38, chr2:214,769,293, plus strand): 5'-AATGGTGTCCATCCAGCATGGTCTTTAACATTTGGATCACTTCCATTTTGTAAAAGGTAT[T>C]CAACAGAAGGTATGTCGCCCTAGAAAAATGAACAAAACGGAAATTAAAAAGCATTAAGGA-3'
Protein context (NP_000456.2, residues 435-455): ASIKGDIPSV[Glu445Gly]YLLQNGSDPN

ClinVar aggregate classification (germline): Uncertain significance (1 of 4 stars; one submission).

Conditions:
Hereditary cancer-predisposing syndrome. Also called: Neoplastic Syndromes, Hereditary; Tumor predisposition; Hereditary neoplastic syndrome; Hereditary Cancer Syndrome. Identifiers: Orphanet 140162, MedGen C0027672, MeSH D009386, MONDO:0015356.

Submission:

Ambry Genetics
Classification: Uncertain significance for Hereditary cancer-predisposing syndrome. Last evaluated: 2024-02-28. Review status: criteria provided, single submitter. Criteria: Ambry Variant Classification Scheme 2023. Collection method: clinical testing. Allele origin: germline.
Comment: The p.E445G variant (also known as c.1334A>G), located in coding exon 5 of the BARD1 gene, results from an A to G substitution at nucleotide position 1334. The glutamic acid at codon 445 is replaced by glycine, an amino acid with similar properties. This amino acid position is conserved. In addition, the in silico prediction for this alteration is inconclusive. Based on the available evidence, the clinical significance of this alteration remains unclear.